The following is an entry in ClinVar:

NM_001165963.4(SCN1A):c.83G>A (p.Arg28His)

Gene: SCN1A (sodium voltage-gated channel alpha subunit 1; minus strand). Cytogenetic location: 2q24.3.
Variant type: single nucleotide variant.
Coding change: c.83G>A on transcript NM_001165963.4 (MANE Select); coding-DNA position 83, G replaced by A.
Protein change: p.Arg28His; replaces arginine 28 with histidine.
Molecular consequence: missense variant. On other transcripts: non-coding transcript variant (1), 5 prime UTR variant (1).
Genome position (GRCh38, 1-based): chr2:166,073,539, C>T on the plus strand (G>A on the coding strand, the complement: SCN1A is on the minus strand). VCF-style: chr2-166073539-C-T. GRCh37 (hg19) VCF-style: chr2-166930049-C-T.
Other names: NM_001165963.4(SCN1A):c.83G>A; c.83G>A, p.Arg28His (NM_001165964.3, NM_001202435.3, NM_001353948.2 and 10 more transcripts); c.-2343G>A (NM_001353961.2); c.83G>A (NM_001165963.3); short protein forms R28H.
Identifiers: ClinVar variation 93664 (VCV000093664.21), dbSNP rs398123601, ClinGen allele CA221620.

ClinVar aggregate classification (germline): Likely benign. Review status: reviewed by expert panel (3 of 4 stars). 9 submissions from 8 submitters: Likely benign (1). 8 of the submissions do not count toward it. Last evaluated 2024-09-03.

Conditions:
SCN1A-related disorder. Also called: SCN1A-related conditions; SCN1A-related condition; SCN1A-related disorders.
Early-infantile DEE. Also called: Early infantile epileptic encephalopathy with suppression bursts; Ohtahara syndrome; Early infantile epileptic encephalopathy. Identifiers: Orphanet 1934, MedGen C0393706, MONDO:0800491.
Generalized epilepsy with febrile seizures plus. Also called: Generalized Epilepsy with Febrile Seizures Plus (GEFS+). Identifiers: Orphanet 36387, MedGen C3502809, MONDO:0018214.
Migraine, familial hemiplegic, 3. Identifiers: Orphanet 569, MedGen C1864987, MONDO:0012320, OMIM 609634.
Generalized epilepsy with febrile seizures plus, type 2 (GEFSP2). Also called: GEFS+, TYPE 2. Identifiers: Orphanet 36387, MedGen C1858673, MONDO:0011461, OMIM 604403.

Allele frequency attached by ClinVar (database versions not stated): TOPMed below 0.00001; ExAC 0.00001; gnomAD exomes 0.00001.
gnomAD v4.1: 9 of 1,614,138 alleles (0.00056%); highest among the groups gnomAD compares: South Asian, 0.0011%; no homozygotes.

Submissions (9):

ClinGen Epilepsy Sodium Channel Variant Curation Expert Panel, Clingen
Classification: Likely benign for Generalized epilepsy with febrile seizures plus. Last evaluated: 2024-09-03. Review status: reviewed by expert panel. Criteria: ClinGen EpilepsySCN ACMG Specifications SCN1A V1.0.0. Collection method: curation. Allele origin: germline. Inheritance: Autosomal dominant inheritance.
Comment: The c.83G>A variant in SCN1A is a missense variant predicted to cause substitution of arginine by histidine at amino acid 28 (p.Arg28His). The variant has been identified in 4 individuals with seizures with variable ages of onset, inconsistent segregation patterns and/or in the presence of variants in other epilepsy-associated genes (PMID:36801247; internal data, Invitae. PS4_not met). A novel missense variant at the same position in SCN1A (p.R28C) has been previously reported, in addition to missense variants at the corresponding position in a paralogous gene (SCN2A: p.R28C & p.R28H), however, none of these variants met PLP classification per these criteria (PS1_not met; PM5_not met). The variant is present at a relatively high frequency (0.0006%, 7 alleles) in non-Finnish European population in gnomAD v4.1 (BS1). It was also identified in multiple individuals referred for testing for non-neurological indications for which an alternative genetic diagnosis was identified (internal data, GeneDx). The computational predictor REVEL gives a score of 0.83, which is above the threshold of 0.773, evidence that correlates with a maximum strength of PP3_Moderate. In summary, this variant meets the criteria to be classified as Likely Benign for autosomal dominant SCN1A-related disorder, based on the ACMG/AMP criteria applied, as specified by the ClinGen Epilepsy Sodium Channel VCEP: BS1, PP3_Moderate (version 1.0, approved August 27, 2024).

GeneDx
Classification: Uncertain significance. Last evaluated: 2025-05-31. Review status: criteria provided, single submitter. Criteria: GeneDx Variant Classification Process June 2021. Collection method: clinical testing. Allele origin: germline. Affected: yes. Not counted in ClinVar's aggregate classification.
Comment: In silico analysis supports that this missense variant has a deleterious effect on protein structure/function; Has not been previously published as pathogenic or benign to our knowledge; This substitution is predicted to be within the N-terminal cytoplasmic domain

Labcorp Genetics (formerly Invitae), Labcorp
Classification: Likely pathogenic for Early-infantile DEE. Last evaluated: 2024-10-24. Review status: criteria provided, single submitter. Criteria: Invitae Variant Classification Sherloc (09022015). Collection method: clinical testing. Allele origin: germline. Not counted in ClinVar's aggregate classification.
Comment: This sequence change replaces arginine, which is basic and polar, with histidine, which is basic and polar, at codon 28 of the SCN1A protein (p.Arg28His). This variant is present in population databases (rs398123601, gnomAD 0.002%). This missense change has been observed in individual(s) with clinical features of SCN1A-related conditions (internal data). ClinVar contains an entry for this variant (Variation ID: 93664). Invitae Evidence Modeling of protein sequence and biophysical properties (such as structural, functional, and spatial information, amino acid conservation, physicochemical variation, residue mobility, and thermodynamic stability) indicates that this missense variant is expected to disrupt SCN1A protein function with a positive predictive value of 95%. This variant disrupts the p.Arg28His amino acid residue in SCN1A. Other variant(s) that disrupt this residue have been determined to be pathogenic (PMID: 18804930; internal data). This suggests that this residue is clinically significant, and that variants that disrupt this residue are likely to be disease-causing. In summary, the currently available evidence indicates that the variant is pathogenic, but additional data are needed to prove that conclusively. Therefore, this variant has been classified as Likely Pathogenic.

Revvity Omics, Revvity
Classification: Uncertain significance. Last evaluated: 2023-11-07. Review status: criteria provided, single submitter. Criteria: ACMG Guidelines, 2015. Collection method: clinical testing. Allele origin: germline. Not counted in ClinVar's aggregate classification.

Blueprint Genetics
Classification: Uncertain significance. Last evaluated: 2023-04-20. Review status: criteria provided, single submitter. Criteria: ACMG Guidelines, 2015. Collection method: clinical testing. Allele origin: germline. Not counted in ClinVar's aggregate classification.

Illumina Laboratory Services, Illumina
Classification: Uncertain significance for Migraine, familial hemiplegic, 3. Last evaluated: 2017-04-28. Review status: criteria provided, single submitter. Criteria: ICSL Variant Classification Criteria 13 December 2019. Collection method: clinical testing. Allele origin: germline. Not counted in ClinVar's aggregate classification.

Illumina Laboratory Services, Illumina
Classification: Uncertain significance for Generalized epilepsy with febrile seizures plus, type 2. Last evaluated: 2017-04-28. Review status: criteria provided, single submitter. Criteria: ICSL Variant Classification Criteria 13 December 2019. Collection method: clinical testing. Allele origin: germline. Not counted in ClinVar's aggregate classification.

Eurofins Ntd Llc (ga)
Classification: Uncertain significance. Last evaluated: 2013-06-26. Review status: criteria provided, single submitter. Criteria: EGL Classification Definitions 2015. Collection method: clinical testing. Allele origin: germline. Observed: 2 variant alleles, 2 heterozygotes. Not counted in ClinVar's aggregate classification.

Rady Children's Institute for Genomic Medicine, Rady Children's Hospital San Diego
Classification: Uncertain significance for SCN1A-related conditions. Review status: criteria provided, single submitter. Criteria: ACMG Guidelines, 2015. Collection method: clinical testing. Allele origin: germline. Affected: yes. Study: CSER-NYCKidSeq. Not counted in ClinVar's aggregate classification.
Comment: This variant is present in the heterozygous state in the gnomAD population database at a frequency of 0.0008% (2/251370) and thus is presumed to be rare. The c.83G>A (p.Arg28His) variant affects a highly conserved amino acid and is predicted by multiple in silico tools to have a deleterious effect on protein function. However, this variant has not been functionally characterized in the literature to our knowledge. A different nucleotide change that affects the same amino acid residue, c.82C>T (p.Arg28Cys), has been reported in individuals affected with SCN1A-related conditions (PMID: 18804930, 30619928), as well as in an unaffected individual (PMID: 26990884). Based on the available evidence, the c.83G>A (p.Arg28His) variant is classified as Variant of Uncertain Significance.

Literature cited by the submitters: PubMed 18804930 (cited by Labcorp Genetics (formerly Invitae), Labcorp).